The following is an entry in ClinVar:

ClinVar aggregate classification (germline): Likely pathogenic. Review status: criteria provided, multiple submitters, no conflicts (2 of 4 stars). 3 submissions from 3 submitters: Likely pathogenic (2). 1 of the submissions does not count toward it. Last evaluated 2025-12-29.

Conditions:
Hereditary factor VIII deficiency disease (HEMA). Also called: HEMOPHILIA, CLASSIC; AUTOSOMAL HEMOPHILIA A; Hemophilia A; Hemophilia A, congenital; HEM A; Factor 8 deficiency, congenital. Identifiers: Orphanet 98878, MedGen C0019069, MONDO:0010602, OMIM 306700.
Thrombophilia, X-linked, due to factor 8 defect. Also called: Thrombophilia 13, X-linked, due to factor VIII defect; THROMBOPHILIA, X-LINKED, DUE TO FACTOR VIII DEFECT. Identifiers: MedGen C5676879, MONDO:0859082, OMIM 301071.

Submissions (3):

Center for Genomic Medicine, Rigshospitalet, Copenhagen University Hospital
Classification: Likely pathogenic. Last evaluated: 2025-12-29. Review status: criteria provided, single submitter. Criteria: ACMG Guidelines, 2015. Collection method: clinical testing. Allele origin: germline.
Comment: Classification criteria: PM2_Supporting, PP3, PP4_Moderate, PM5

Institute of Immunology and Genetics Kaiserslautern
Classification: Likely pathogenic for Thrombophilia, X-linked, due to factor 8 defect; Hereditary factor VIII deficiency disease. Last evaluated: 2025-12-02. Review status: criteria provided, single submitter. Criteria: ACMG Guidelines, 2015. Collection method: clinical testing. Allele origin: germline. Affected: yes.
Comment: ACMG Criteria: PVS1, PM2; Variant was found in hemizygous state.

ISTH-SSC Genomics in Thrombosis and Hemostasis, KU Leuven, Center for Molecular and Vascular Biology
Classification: Likely pathogenic for Hereditary factor VIII deficiency disease. Review status: no assertion criteria provided. Collection method: research. Allele origin: unknown. Affected: yes. Not counted in ClinVar's aggregate classification.
Comment: Submitted to GoldVariant by Dr Karyn Mégy from NIHR Bioresource - Cambridge University, UK

Literature cited by the submitters: PubMed 32897612 (cited by Center for Genomic Medicine, Rigshospitalet, Copenhagen University Hospital).

NM_000132.4(F8):c.6617A>G (p.Asp2206Gly)

Gene: F8 (coagulation factor VIII; minus strand). Cytogenetic location: Xq28.
Variant type: single nucleotide variant.
Coding change: c.6617A>G on transcript NM_000132.4 (MANE Select); coding-DNA position 6617, A replaced by G.
Protein change: p.Asp2206Gly; replaces aspartic acid 2206 with glycine.
Molecular consequence: missense variant.
Genome position (GRCh38, 1-based): chrX:154,861,824, T>C on the plus strand (A>G on the coding strand, the complement: F8 is on the minus strand). VCF-style: chrX-154861824-T-C. GRCh37 (hg19) VCF-style: chrX-154090099-T-C.
Other names: c.212A>G, p.Asp71Gly (NM_019863.3); short protein forms D2206G, D71G.
Identifiers: ClinVar variation 1684378 (VCV001684378.3), dbSNP rs2072694107, ClinGen allele CA414906013.
Genomic context (GRCh38, chrX:154,861,824, plus strand): 5'-TTTGAAGGAGACCAGGTGGCAAACATATTGGTAAAGTAGGATGAAGCAGTAATCTGTGCA[T>C]CTGATATTGCTTTACTCTCCATTCCCAATGGCATGCTGCAACCTCAAAGAAAAGAAAAAA-3'
Protein context (NP_000123.1, residues 2196-2216): PLGMESKAIS[Asp2206Gly]AQITASSYFT